The following is an entry in ClinVar:

ClinVar aggregate classification (germline): Uncertain significance (1 of 4 stars; one submission).

Conditions:
Cardiovascular phenotype. Identifiers: MedGen CN230736.

Submission:

Ambry Genetics
Classification: Uncertain significance for Cardiovascular phenotype. Last evaluated: 2024-12-28. Review status: criteria provided, single submitter. Criteria: Ambry Variant Classification Scheme 2023. Collection method: clinical testing. Allele origin: germline.
Comment: The p.D282N variant (also known as c.844G>A), located in coding exon 7 of the ABCG5 gene, results from a G to A substitution at nucleotide position 844. The aspartic acid at codon 282 is replaced by asparagine, an amino acid with highly similar properties. This amino acid position is conserved. In addition, this alteration is predicted to be tolerated by in silico analysis. Based on the available evidence, the clinical significance of this variant remains unclear.

NM_022436.3(ABCG5):c.844G>A (p.Asp282Asn)

Genes: DYNC2LI1 (dynein cytoplasmic 2 light intermediate chain 1; plus strand), ABCG5 (ATP binding cassette subfamily G member 5; minus strand). Cytogenetic location: 2p21.
Variant type: single nucleotide variant.
Coding change: c.844G>A on transcript NM_022436.3 (MANE Select); coding-DNA position 844, G replaced by A.
Protein change: p.Asp282Asn; replaces aspartic acid 282 with asparagine.
Molecular consequence: missense variant. On other transcripts: intron variant (2).
Genome position (GRCh38, 1-based): chr2:43,824,949, C>T on the plus strand (G>A on the coding strand, the complement: ABCG5 is on the minus strand). VCF-style: chr2-43824949-C-T. GRCh37 (hg19) VCF-style: chr2-44052088-C-T.
Other names: c.*16-2437C>T (NM_001348913.2, NM_001348912.2); short protein forms D282N.
Identifiers: ClinVar variation 3886835 (VCV003886835.1).